The following is an entry in ClinVar:

NM_000069.3(CACNA1S):c.1393+18G>T

Gene: CACNA1S (calcium voltage-gated channel subunit alpha1 S; minus strand). Cytogenetic location: 1q32.1.
Variant type: single nucleotide variant.
Coding change: c.1393+18G>T on transcript NM_000069.3 (MANE Select); 18 bases into the intron after coding-DNA position 1393, G replaced by T.
Molecular consequence: intron variant.
Genome position (GRCh38, 1-based): chr1:201,083,144, C>A on the plus strand (G>T on the coding strand, the complement: CACNA1S is on the minus strand). VCF-style: chr1-201083144-C-A. GRCh37 (hg19) VCF-style: chr1-201052272-C-A.
Identifiers: ClinVar variation 514623 (VCV000514623.5), dbSNP rs199625342, ClinGen allele CA078187.

ClinVar aggregate classification (germline): Likely benign. Review status: criteria provided, multiple submitters, no conflicts (2 of 4 stars). 3 submissions from 3 submitters: Likely benign (3). Last evaluated 2025-12-16.

Conditions:
Malignant hyperthermia, susceptibility to, 5 (MHS5). Also called: CACNA1S-Related Malignant Hyperthermia Susceptibility. Identifiers: Orphanet 423, MedGen C1866077, MONDO:0011163, OMIM 601887.
Hypokalemic periodic paralysis, type 1. Also called: HypoPP; Hypokalemic Periodic Paralysis Type 1 (AD). Identifiers: Orphanet 681, MedGen C3714580, MONDO:0042979, OMIM 170400.

Allele frequency attached by ClinVar (database versions not stated): gnomAD 0.00003; ExAC 0.00004; TOPMed 0.00004; ESP Exome Variant Server 0.00023.
gnomAD v4.1: 43 of 1,612,398 alleles (0.0027%); highest among the groups gnomAD compares: Non-Finnish European, 0.00093%; no homozygotes.

Submissions (3):

Labcorp Genetics (formerly Invitae), Labcorp
Classification: Likely benign for Hypokalemic periodic paralysis, type 1; Malignant hyperthermia, susceptibility to, 5. Last evaluated: 2025-12-16. Review status: criteria provided, single submitter. Criteria: Invitae Variant Classification Sherloc (09022015). Collection method: clinical testing. Allele origin: germline.

Blueprint Genetics
Classification: Likely benign. Last evaluated: 2024-09-24. Review status: criteria provided, single submitter. Criteria: ACMG Guidelines, 2015. Collection method: clinical testing. Allele origin: germline.

GeneDx
Classification: Likely benign. Last evaluated: 2018-01-22. Review status: criteria provided, single submitter. Criteria: GeneDx Variant Classification (06012015). Collection method: clinical testing. Allele origin: germline. Affected: yes.
Comment: This variant is considered likely benign or benign based on one or more of the following criteria: it is a conservative change, it occurs at a poorly conserved position in the protein, it is predicted to be benign by multiple in silico algorithms, and/or has population frequency not consistent with disease.